The following is an entry in ClinVar:

ClinVar aggregate classification (germline): Likely pathogenic (1 of 4 stars; one submission).

Conditions:
Familial hypocalciuric hypercalcemia (FHH). Also called: Familial benign hypercalcemia. Identifiers: Orphanet 405, MedGen C1809471, MONDO:0018458.

Submission:

Women's Health and Genetics/Laboratory Corporation of America, LabCorp
Classification: Likely pathogenic for Familial hypocalciuric hypercalcemia. Last evaluated: 2026-03-24. Review status: criteria provided, single submitter. Criteria: LabCorp Variant Classification Summary - May 2015. Collection method: clinical testing. Allele origin: germline.
Comment: Variant summary: CASR c.2243_2244delinsAC (p.Pro748His) results in a non-conservative amino acid change located in the GPCR family 3, C-terminal domain (IPR017978) of the encoded protein sequence. Algorithms developed to predict the effect of missense changes on protein structure and function are either unavailable or do not agree on the potential impact of this missense change. The variant was absent in 250560 control chromosomes. c.2243_2244delinsAC has been observed in two individuals affected with Familial Hypocalciuric Hypercalcemia (Cetani_200). These data indicate that the variant may be associated with disease. Two different variants affecting the same codon (c.2243C>G, p.Pro748Arg; c.2243C>A, p.Pro748Gln) have been classified as likely pathogenic/pathogenic by our lab, supporting the critical relevance of codon 748 to CASR protein function. At least one publication reports experimental evidence evaluating an impact on protein function. The most pronounced variant effect results in reduced response to calcium (Cetani_2009). The following publication has been ascertained in the context of this evaluation (PMID: 19073830). ClinVar contains an entry for this variant (Variation ID: 3768567). Based on the evidence outlined above, the variant was classified as likely pathogenic.

Literature cited by the submitters: PubMed 19073830.

NM_000388.4(CASR):c.2243_2244delinsAC (p.Pro748His)

Gene: CASR (calcium sensing receptor; plus strand). Cytogenetic location: 3q21.1.
Variant type: Indel.
Coding change: c.2243_2244delinsAC on transcript NM_000388.4 (MANE Select); coding-DNA positions 2243 to 2244, CG replaced by AC.
Protein change: p.Pro748His; replaces proline 748 with histidine.
Molecular consequence: missense variant.
Genome position (GRCh38, 1-based): chr3:122,284,197-122,284,198, CG replaced by AC. VCF-style: chr3-122284197-CG-AC. GRCh37 (hg19) VCF-style: chr3-122003044-CG-AC.
Other names: c.2273_2274delinsAC, p.Pro758His (NM_001178065.2); short protein forms P748H, P758H.
Identifiers: ClinVar variation 3768567 (VCV003768567.2).